The following is an entry in ClinVar:

NM_144651.5(PXDNL):c.1171C>T (p.Arg391Trp)

Gene: PXDNL (peroxidasin like; minus strand). Cytogenetic location: 8q11.22.
Variant type: single nucleotide variant.
Coding change: c.1171C>T on transcript NM_144651.5 (MANE Select); coding-DNA position 1171, C replaced by T.
Protein change: p.Arg391Trp; replaces arginine 391 with tryptophan.
Molecular consequence: missense variant.
Genome position (GRCh38, 1-based): chr8:51,453,597, G>A on the plus strand (C>T on the coding strand, the complement: PXDNL is on the minus strand). VCF-style: chr8-51453597-G-A. GRCh37 (hg19) VCF-style: chr8-52366157-G-A.
Other names: short protein forms R391W.
Identifiers: ClinVar variation 722020 (VCV000722020.6), dbSNP rs141730527, ClinGen allele CA4745430.

ClinVar aggregate classification (germline): Likely benign. Review status: criteria provided, multiple submitters, no conflicts (2 of 4 stars). 3 submissions from 3 submitters: Likely benign (2). 1 of the submissions does not count toward it. Last evaluated 2018-06-26.

Conditions:
PXDNL-related disorder. Also called: PXDNL-related condition.

Allele frequency attached by ClinVar (database versions not stated): 1000 Genomes Project 0.00040; 1000 Genomes Project 30x 0.00047; TOPMed 0.00097; gnomAD 0.00117 and 0.00120; ExAC 0.00130; gnomAD exomes 0.00134; ESP Exome Variant Server 0.00190.
gnomAD v4.1: 2,589 of 1,613,986 alleles (0.16%); highest among the groups gnomAD compares: Non-Finnish European, 0.18%; 4 homozygotes.

Submissions (3):

Labcorp Genetics (formerly Invitae), Labcorp
Classification: Likely benign. Last evaluated: 2018-06-26. Review status: criteria provided, single submitter. Criteria: Invitae Variant Classification Sherloc (09022015). Collection method: clinical testing. Allele origin: germline.

Breakthrough Genomics
Classification: Likely benign. Review status: criteria provided, single submitter. Criteria: ACMG Guidelines, 2015. Collection method: not provided. Allele origin: germline. Inheritance: Unknown mechanism. Affected: yes.

PreventionGenetics, part of Exact Sciences
Classification: Likely benign for PXDNL-related condition. Last evaluated: 2022-02-01. Review status: no assertion criteria provided. Collection method: clinical testing. Allele origin: germline. Not counted in ClinVar's aggregate classification.
Comment: This variant is classified as likely benign based on ACMG/AMP sequence variant interpretation guidelines (Richards et al. 2015 PMID: 25741868, with internal and published modifications).